The following is an entry in ClinVar:

ClinVar aggregate classification (germline): Uncertain significance. Review status: criteria provided, multiple submitters, no conflicts (2 of 4 stars). 2 submissions from 2 submitters: Uncertain significance (2). Last evaluated 2024-05-10.

Conditions:
Charcot-Marie-Tooth disease type 2. Also called: Charcot-Marie-Tooth type 2. Identifiers: Orphanet 64746, MedGen C0270914, MONDO:0018993.

Allele frequency attached by ClinVar (database versions not stated): TOPMed below 0.00001.
gnomAD v4.1: 1 of 1,613,872 alleles (0.000062%); no homozygotes.

Submissions (2):

Labcorp Genetics (formerly Invitae), Labcorp
Classification: Uncertain significance for Charcot-Marie-Tooth disease type 2. Last evaluated: 2024-05-10. Review status: criteria provided, single submitter. Criteria: Invitae Variant Classification Sherloc (09022015). Collection method: clinical testing. Allele origin: germline.
Comment: This sequence change replaces serine, which is neutral and polar, with cysteine, which is neutral and slightly polar, at codon 24 of the KIF1B protein (p.Ser24Cys). This variant is not present in population databases (gnomAD no frequency). This variant has not been reported in the literature in individuals affected with KIF1B-related conditions. ClinVar contains an entry for this variant (Variation ID: 1757647). Advanced modeling of protein sequence and biophysical properties (such as structural, functional, and spatial information, amino acid conservation, physicochemical variation, residue mobility, and thermodynamic stability) performed at Invitae indicates that this missense variant is not expected to disrupt KIF1B protein function with a negative predictive value of 80%. In summary, the available evidence is currently insufficient to determine the role of this variant in disease. Therefore, it has been classified as a Variant of Uncertain Significance.

Ambry Genetics
Classification: Uncertain significance. Last evaluated: 2021-05-27. Review status: criteria provided, single submitter. Criteria: Ambry Variant Classification Scheme 2023. Collection method: clinical testing. Allele origin: germline.
Comment: The p.S24C variant (also known as c.71C>G), located in coding exon 1 of the KIF1B gene, results from a C to G substitution at nucleotide position 71. The serine at codon 24 is replaced by cysteine, an amino acid with dissimilar properties. This amino acid position is highly conserved in available vertebrate species. In addition, the in silico prediction for this alteration is inconclusive. Since supporting evidence is limited at this time, the clinical significance of this alteration remains unclear.

NM_001365951.3(KIF1B):c.71C>G (p.Ser24Cys)

Genes: KIF1B (kinesin family member 1B; plus strand), LOC129388446 (MPRA-validated peak64 silencer; plus strand). Cytogenetic location: 1p36.22.
Variant type: single nucleotide variant.
Coding change: c.71C>G on transcript NM_001365951.3 (MANE Select); coding-DNA position 71, C replaced by G.
Protein change: p.Ser24Cys; replaces serine 24 with cysteine.
Molecular consequence: missense variant.
Genome position (GRCh38, 1-based): chr1:10,232,399, C>G. VCF-style: chr1-10232399-C-G. GRCh37 (hg19) VCF-style: chr1-10292457-C-G.
Other names: c.71C>G, p.Ser24Cys (NM_001365952.1, NM_001365953.1, NM_015074.3 and 1 more transcripts); short protein forms S24C.
Identifiers: ClinVar variation 1757647 (VCV001757647.4), dbSNP rs1646994662, ClinGen allele CA338316312.